The following is an entry in ClinVar:

NM_005591.4(MRE11):c.1391A>G (p.Lys464Arg)

Gene: MRE11 (MRE11 double strand break repair nuclease; minus strand). Cytogenetic location: 11q21.
Variant type: single nucleotide variant.
Coding change: c.1391A>G on transcript NM_005591.4 (MANE Select); coding-DNA position 1391, A replaced by G.
Protein change: p.Lys464Arg; replaces lysine 464 with arginine.
Molecular consequence: missense variant.
Genome position (GRCh38, 1-based): chr11:94,459,517, T>C on the plus strand (A>G on the coding strand, the complement: MRE11 is on the minus strand). VCF-style: chr11-94459517-T-C. GRCh37 (hg19) VCF-style: chr11-94192683-T-C.
Other names: c.1391A>G, p.Lys464Arg (NM_001330347.2, NM_005590.4); short protein forms K464R.
Identifiers: ClinVar variation 3295831 (VCV003295831.1).

ClinVar aggregate classification (germline): Uncertain significance (1 of 4 stars; one submission).

Conditions:
Hereditary cancer-predisposing syndrome. Also called: Tumor predisposition; Hereditary Cancer Syndrome; Hereditary neoplastic syndrome; Neoplastic Syndromes, Hereditary. Identifiers: Orphanet 140162, MedGen C0027672, MeSH D009386, MONDO:0015356.

Submission:

Ambry Genetics
Classification: Uncertain significance for Hereditary cancer-predisposing syndrome. Last evaluated: 2024-06-07. Review status: criteria provided, single submitter. Criteria: Ambry Variant Classification Scheme 2023. Collection method: clinical testing. Allele origin: germline.
Comment: The p.K464R variant (also known as c.1391A>G), located in coding exon 12 of the MRE11A gene, results from an A to G substitution at nucleotide position 1391. The lysine at codon 464 is replaced by arginine, an amino acid with highly similar properties. This amino acid position is conserved. In addition, the in silico prediction for this alteration is inconclusive. Based on the available evidence, the clinical significance of this variant remains unclear.